The following is an entry in ClinVar:

NM_005236.3(ERCC4):c.2735G>A (p.Gly912Glu)

Gene: ERCC4 (ERCC excision repair 4, endonuclease catalytic subunit; plus strand). Cytogenetic location: 16p13.12.
Variant type: single nucleotide variant.
Coding change: c.2735G>A on transcript NM_005236.3 (MANE Select); coding-DNA position 2735, G replaced by A.
Protein change: p.Gly912Glu; replaces glycine 912 with glutamic acid.
Molecular consequence: missense variant.
Genome position (GRCh38, 1-based): chr16:13,948,331, G>A. VCF-style: chr16-13948331-G-A. GRCh37 (hg19) VCF-style: chr16-14042188-G-A.
Other names: short protein forms G912E.
Identifiers: ClinVar variation 864275 (VCV000864275.7), dbSNP rs2020956, ClinGen allele CA7910806.
Genomic context (GRCh38, chr16:13,948,331, plus strand): 5'-CAAATGCCAAACAGCTTTATGATTTCATTCACACCTCTTTTGCAGAAGTCGTATCAAAAG[G>A]AAAAGGGAAAAAGTGAACAGTGATGGCTGTTTTCTTATCCCATGCCTGTACTTTTCAGCG-3'
Protein context (NP_005227.1, residues 902-916): HTSFAEVVSK[Gly912Glu]KGKK

ClinVar aggregate classification (germline): Uncertain significance. Review status: criteria provided, multiple submitters, no conflicts (2 of 4 stars). 2 submissions from 2 submitters: Uncertain significance (2). Last evaluated 2024-11-04.

Conditions:
Cockayne syndrome. Identifiers: Orphanet 191, MedGen C0009207, MONDO:0016006.
Xeroderma pigmentosum, group F (XPF). Also called: XERODERMA PIGMENTOSUM, COMPLEMENTATION GROUP F; XERODERMA PIGMENTOSUM VI; XP, GROUP F; XERODERMA PIGMENTOSUM, TYPE F; Xeroderma pigmentosum, type 6; ERCC4-Related Xeroderma Pigmentosum. Identifiers: MedGen C0268140, MONDO:0010215, OMIM 278760.
Fanconi anemia complementation group Q. Identifiers: Orphanet 84, MedGen C3808988, MONDO:0014108, OMIM 615272.
XFE progeroid syndrome (XFEPS). Also called: XPF-ERCC1 PROGEROID SYNDROME. Identifiers: MedGen C1970416, MONDO:0012590, OMIM 610965.

Allele frequency attached by ClinVar (database versions not stated): gnomAD 0.00001; gnomAD exomes 0.00002 and 0.00008; ExAC 0.00004; TOPMed 0.00005.
gnomAD v4.1: 26 of 1,611,322 alleles (0.0016%); highest among the groups gnomAD compares: Admixed American, 0.04%; no homozygotes.

Submissions (2):

Labcorp Genetics (formerly Invitae), Labcorp
Classification: Uncertain significance for Fanconi anemia complementation group Q; Xeroderma pigmentosum, group F; Cockayne syndrome. Last evaluated: 2024-11-04. Review status: criteria provided, single submitter. Criteria: Invitae Variant Classification Sherloc (09022015). Collection method: clinical testing. Allele origin: germline.
Comment: This sequence change replaces glycine, which is neutral and non-polar, with glutamic acid, which is acidic and polar, at codon 912 of the ERCC4 protein (p.Gly912Glu). This variant is present in population databases (rs2020956, gnomAD 0.06%). This variant has not been reported in the literature in individuals affected with ERCC4-related conditions. ClinVar contains an entry for this variant (Variation ID: 864275). An algorithm developed to predict the effect of missense changes on protein structure and function (PolyPhen-2) suggests that this variant¬¨‚Ä†is likely to be tolerated. In summary, the available evidence is currently insufficient to determine the role of this variant in disease. Therefore, it has been classified as a Variant of Uncertain Significance.

Fulgent Genetics
Classification: Uncertain significance for Xeroderma pigmentosum, group F; XFE progeroid syndrome; Fanconi anemia complementation group Q. Last evaluated: 2023-12-24. Review status: criteria provided, single submitter. Criteria: ACMG Guidelines, 2015. Collection method: clinical testing. Allele origin: germline.